The following is an entry in ClinVar:

NM_005221.6(DLX5):c.607C>A (p.Pro203Thr)

Genes: DLX5 (distal-less homeobox 5; minus strand), LOC126860116 (CDK7 strongly-dependent group 2 enhancer GRCh37_chr7:96650255-96651454; plus strand). Cytogenetic location: 7q21.3.
Variant type: single nucleotide variant.
Coding change: c.607C>A on transcript NM_005221.6 (MANE Select); coding-DNA position 607, C replaced by A.
Protein change: p.Pro203Thr; replaces proline 203 with threonine.
Molecular consequence: missense variant.
Genome position (GRCh38, 1-based): chr7:97,020,999, G>T on the plus strand (C>A on the coding strand, the complement: DLX5 is on the minus strand). VCF-style: chr7-97020999-G-T. GRCh37 (hg19) VCF-style: chr7-96650311-G-T.
Other names: short protein forms P203T.
Identifiers: ClinVar variation 1970708 (VCV001970708.5), dbSNP rs146762155, ClinGen allele CA368261123.

ClinVar aggregate classification (germline): Uncertain significance (1 of 4 stars; one submission).

Submission:

Labcorp Genetics (formerly Invitae), Labcorp
Classification: Uncertain significance. Last evaluated: 2024-05-02. Review status: criteria provided, single submitter. Criteria: Invitae Variant Classification Sherloc (09022015). Collection method: clinical testing. Allele origin: germline.
Comment: This sequence change replaces proline, which is neutral and non-polar, with threonine, which is neutral and polar, at codon 203 of the DLX5 protein (p.Pro203Thr). This variant is not present in population databases (gnomAD no frequency). This variant has not been reported in the literature in individuals affected with DLX5-related conditions. ClinVar contains an entry for this variant (Variation ID: 1970708). Advanced modeling of protein sequence and biophysical properties (such as structural, functional, and spatial information, amino acid conservation, physicochemical variation, residue mobility, and thermodynamic stability) performed at Invitae indicates that this missense variant is not expected to disrupt DLX5 protein function with a negative predictive value of 80%. In summary, the available evidence is currently insufficient to determine the role of this variant in disease. Therefore, it has been classified as a Variant of Uncertain Significance.